The following is an entry in ClinVar:

ClinVar aggregate classification (germline): Uncertain significance (1 of 4 stars; one submission).

gnomAD v4.1: 2 of 1,611,622 alleles (0.00012%); highest among the groups gnomAD compares: Non-Finnish European, 0.00017%; no homozygotes.

Submission:

Labcorp Genetics (formerly Invitae), Labcorp
Classification: Uncertain significance. Last evaluated: 2025-04-29. Review status: criteria provided, single submitter. Criteria: Invitae Variant Classification Sherloc (09022015). Collection method: clinical testing. Allele origin: germline.
Comment: This sequence change replaces proline, which is neutral and non-polar, with leucine, which is neutral and non-polar, at codon 735 of the FGFR3 protein (p.Pro735Leu). This variant is not present in population databases (gnomAD no frequency). This variant has not been reported in the literature in individuals affected with FGFR3-related conditions. Invitae Evidence Modeling of protein sequence and biophysical properties (such as structural, functional, and spatial information, amino acid conservation, physicochemical variation, residue mobility, and thermodynamic stability) indicates that this missense variant is expected to disrupt FGFR3 protein function with a positive predictive value of 80%. In summary, the available evidence is currently insufficient to determine the role of this variant in disease. Therefore, it has been classified as a Variant of Uncertain Significance.

NM_000142.5(FGFR3):c.2204C>T (p.Pro735Leu)

Gene: FGFR3 (fibroblast growth factor receptor 3; plus strand). Cytogenetic location: 4p16.3.
Variant type: single nucleotide variant.
Coding change: c.2204C>T on transcript NM_000142.5 (MANE Select); coding-DNA position 2204, C replaced by T.
Protein change: p.Pro735Leu; replaces proline 735 with leucine.
Molecular consequence: missense variant. On other transcripts: synonymous variant (1), non-coding transcript variant (1).
Genome position (GRCh38, 1-based): chr4:1,806,864, C>T. VCF-style: chr4-1806864-C-T. GRCh37 (hg19) VCF-style: chr4-1808591-C-T.
Other names: c.2210C>T, p.Pro737Leu (NM_001163213.2); c.2207C>T, p.Pro736Leu (NM_001354809.2); c.2136C>T, p.Ala712= (NM_001354810.2); c.1868C>T, p.Pro623Leu (NM_022965.4); short protein forms P623L, P736L, P735L, P737L.
Identifiers: ClinVar variation 4770601 (VCV004770601.1).